The following is an entry in ClinVar:

NM_138694.4(PKHD1):c.3225del (p.Arg1076fs)

Gene: PKHD1 (PKHD1 ciliary IPT domain containing fibrocystin/polyductin; minus strand). Cytogenetic location: 6p12.2.
Variant type: Deletion.
Coding change: c.3225del on transcript NM_138694.4 (MANE Select); coding-DNA position 3225, one base deleted (C; older notation c.3225delC).
Protein change: p.Arg1076fs; shifts the reading frame from arginine 1076.
Molecular consequence: frameshift variant.
Genome position (GRCh38, 1-based): chr6:52,035,594, G deleted on the plus strand (C on the coding strand, the reverse complement: PKHD1 is on the minus strand); the first of 3 consecutive G bases (chr6:52,035,594-52,035,596); deleting any one gives the same sequence. VCF-style (leftmost placement, unchanged base first): chr6-52035593-TG-T. GRCh37 (hg19) VCF-style: chr6-51900391-TG-T.
Other names: c.3225del, p.Arg1076fs (NM_170724.3); c.3225delC (NM_138694.3); short protein forms R1076fs.
Identifiers: ClinVar variation 2787088 (VCV002787088.4), dbSNP rs1803814845, ClinGen allele CA1088991668.

ClinVar aggregate classification (germline): Pathogenic/Likely pathogenic. Review status: criteria provided, multiple submitters, no conflicts (2 of 4 stars). 2 submissions from 2 submitters: Pathogenic (1); Likely pathogenic (1). Last evaluated 2025-06-02.

Conditions:
Autosomal recessive polycystic kidney disease (ARPKD). Also called: AR polycystic kidney disease. Identifiers: Orphanet 731, Orphanet 8378, MedGen C0085548, MeSH D017044, MONDO:0009889.

Submissions (2):

Natera, Inc.
Classification: Likely pathogenic for Autosomal recessive polycystic kidney disease. Last evaluated: 2025-06-02. Review status: criteria provided, single submitter. Criteria: Natera Variant Classification Schema (03/2026). Collection method: clinical testing. Allele origin: germline.
Comment: The c.3225delC variant in PKHD1 is a frameshift variant predicted to shift the reading frame beginning at codon 1076 and leads to a stop codon 8 codons downstream. This variant is expected to result in nonsense mediated decay, truncation, or a dysfunctional protein product. This variant is rare in the general population with a frequency below the threshold expected for the associated phenotype(s). Given the available evidence, this variant is classified as Likely Pathogenic.

Labcorp Genetics (formerly Invitae), Labcorp
Classification: Pathogenic for Autosomal recessive polycystic kidney disease. Last evaluated: 2023-04-22. Review status: criteria provided, single submitter. Criteria: Invitae Variant Classification Sherloc (09022015). Collection method: clinical testing. Allele origin: germline.
Comment: For these reasons, this variant has been classified as Pathogenic. This variant has not been reported in the literature in individuals affected with PKHD1-related conditions. This variant is not present in population databases (gnomAD no frequency). This sequence change creates a premature translational stop signal (p.Arg1076Glyfs*8) in the PKHD1 gene. It is expected to result in an absent or disrupted protein product. Loss-of-function variants in PKHD1 are known to be pathogenic (PMID: 19940839).

Literature cited by the submitters: PubMed 19940839 (cited by Labcorp Genetics (formerly Invitae), Labcorp).